The following is an entry in ClinVar:

ClinVar aggregate classification (germline): Uncertain significance (1 of 4 stars; one submission).

gnomAD v4.1: 1 of 1,613,742 alleles (0.000062%); highest among the groups gnomAD compares: East Asian, 0.0022%; no homozygotes.

Submission:

Labcorp Genetics (formerly Invitae), Labcorp
Classification: Uncertain significance. Last evaluated: 2023-04-11. Review status: criteria provided, single submitter. Criteria: Invitae Variant Classification Sherloc (09022015). Collection method: clinical testing. Allele origin: germline.
Comment: This variant is not present in population databases (gnomAD no frequency). This sequence change falls in intron 6 of the FH gene. It does not directly change the encoded amino acid sequence of the FH protein. It affects a nucleotide within the consensus splice site. This variant has not been reported in the literature in individuals affected with FH-related conditions. In summary, the available evidence is currently insufficient to determine the role of this variant in disease. Therefore, it has been classified as a Variant of Uncertain Significance. Variants that disrupt the consensus splice site are a relatively common cause of aberrant splicing (PMID: 17576681, 9536098). Algorithms developed to predict the effect of sequence changes on RNA splicing suggest that this variant is not likely to affect RNA splicing.

Literature cited by the submitters: PubMed 17576681; PubMed 9536098.

NM_000143.4(FH):c.904+5G>A

Gene: FH (fumarate hydratase; minus strand). Cytogenetic location: 1q43.
Variant type: single nucleotide variant.
Coding change: c.904+5G>A on transcript NM_000143.4 (MANE Select); 5 bases into the intron after coding-DNA position 904, G replaced by A.
Molecular consequence: intron variant.
Genome position (GRCh38, 1-based): chr1:241,505,998, C>T on the plus strand (G>A on the coding strand, the complement: FH is on the minus strand). VCF-style: chr1-241505998-C-T. GRCh37 (hg19) VCF-style: chr1-241669298-C-T.
Identifiers: ClinVar variation 2777012 (VCV002777012.3), dbSNP rs2147917489, ClinGen allele CA2651254564.